The following is an entry in ClinVar:

NM_000044.6(AR):c.1370GCG[4] (p.Gly461_Gly473del)

Gene: AR (androgen receptor; plus strand). Cytogenetic location: Xq12.
Variant type: Microsatellite.
Coding change: c.1370GCG[4] on transcript NM_000044.6 (MANE Select); four copies in a row of the 3-base unit GCG starting at c.1370; the reference has 17 copies in a row; 13 copies, 39 bases deleted.
Protein change: p.Gly461_Gly473del.
Molecular consequence: inframe deletion. On other transcripts: 5 prime UTR variant (1).
Genome position (GRCh38, 1-based): chrX:67,546,528-67,546,566, 39 bases deleted; deleting any 39 consecutive bases within chrX:67,546,515-67,546,566 gives the same sequence; the position shown is the placement nearest the transcript's 3' end. GRCh37 (hg19), VCF-style position (the base before the change): chrX:66,766,356.
Other names: c.-414GCG[4] (NM_001011645.3); c.1370GCG[4], p.Gly461_Gly473del (NM_001348061.1, NM_001348063.1, NM_001348064.1).
Identifiers: ClinVar variation 1299195 (VCV001299195.35), dbSNP rs746853821, ClinGen allele CA10436425.

ClinVar aggregate classification (germline): Benign (1 of 4 stars; one submission).

Submission:

CeGaT Center for Human Genetics Tuebingen
Classification: Benign. Last evaluated: 2026-09-01. Review status: criteria provided, single submitter. Criteria: CeGaT Center For Human Genetics Tuebingen Variant Classification Criteria Version 2. Collection method: clinical testing. Allele origin: germline. Affected: yes. Observed: 19 variant alleles.
Comment: AR: BS1, BS2